The following is an entry in ClinVar:

ClinVar aggregate classification (germline): Uncertain significance (1 of 4 stars; one submission).

Submission:

Labcorp Genetics (formerly Invitae), Labcorp
Classification: Uncertain significance. Last evaluated: 2022-09-07. Review status: criteria provided, single submitter. Criteria: Invitae Variant Classification Sherloc (09022015). Collection method: clinical testing. Allele origin: germline.
Comment: This variant is not present in population databases (gnomAD no frequency). In summary, the available evidence is currently insufficient to determine the role of this variant in disease. Therefore, it has been classified as a Variant of Uncertain Significance. Advanced modeling of protein sequence and biophysical properties (such as structural, functional, and spatial information, amino acid conservation, physicochemical variation, residue mobility, and thermodynamic stability) performed at Invitae indicates that this missense variant is not expected to disrupt WFS1 protein function. This variant has not been reported in the literature in individuals affected with WFS1-related conditions. This sequence change replaces proline, which is neutral and non-polar, with serine, which is neutral and polar, at codon 87 of the WFS1 protein (p.Pro87Ser).

NM_006005.3(WFS1):c.259C>T (p.Pro87Ser)

Gene: WFS1 (wolframin ER transmembrane glycoprotein; plus strand). Cytogenetic location: 4p16.1.
Variant type: single nucleotide variant.
Coding change: c.259C>T on transcript NM_006005.3 (MANE Select); coding-DNA position 259, C replaced by T.
Protein change: p.Pro87Ser; replaces proline 87 with serine.
Molecular consequence: missense variant.
Genome position (GRCh38, 1-based): chr4:6,287,119, C>T. VCF-style: chr4-6287119-C-T. GRCh37 (hg19) VCF-style: chr4-6288846-C-T.
Other names: c.259C>T, p.Pro87Ser (NM_001145853.1); short protein forms P87S.
Identifiers: ClinVar variation 1717682 (VCV001717682.5), dbSNP rs1302625233, ClinGen allele CA356170887.